The following is an entry in ClinVar:

NM_000057.4(BLM):c.3131A>G (p.Tyr1044Cys)

Gene: BLM (BLM RecQ like helicase; plus strand). Cytogenetic location: 15q26.1.
Variant type: single nucleotide variant.
Coding change: c.3131A>G on transcript NM_000057.4 (MANE Select); coding-DNA position 3131, A replaced by G.
Protein change: p.Tyr1044Cys; replaces tyrosine 1044 with cysteine.
Molecular consequence: missense variant.
Genome position (GRCh38, 1-based): chr15:90,794,278, A>G. VCF-style: chr15-90794278-A-G. GRCh37 (hg19) VCF-style: chr15-91337508-A-G.
Other names: c.3131A>G, p.Tyr1044Cys (NM_001287246.2, NM_001287247.2); c.2006A>G, p.Tyr669Cys (NM_001287248.2); short protein forms Y1044C, Y669C.
Identifiers: ClinVar variation 454129 (VCV000454129.14), dbSNP rs747571272, ClinGen allele CA7738942.
Genomic context (GRCh38, chr15:90,794,278, plus strand): 5'-ATAGCATGGTACATTACTGTGAAAATATAACGGAATGCAGGAGAATACAGCTTTTGGCCT[A>G]CTTTGGTGAAAATGGATTTAATCCTGATTTTTGTAAGAAACACCCAGATGTTTCTTGTGA-3'
Protein context (NP_000048.1, residues 1034-1054): TECRRIQLLA[Tyr1044Cys]FGENGFNPDF

ClinVar aggregate classification (germline): Uncertain significance. Review status: criteria provided, multiple submitters, no conflicts (2 of 4 stars). 2 submissions from 2 submitters: Uncertain significance (2). Last evaluated 2025-11-26.

Conditions:
Hereditary cancer-predisposing syndrome. Also called: Hereditary Cancer Syndrome; Hereditary neoplastic syndrome; Neoplastic Syndromes, Hereditary; Tumor predisposition. Identifiers: Orphanet 140162, MedGen C0027672, MeSH D009386, MONDO:0015356.
Bloom syndrome (BLM). Also called: Bloom-Torre-Machacek syndrome. Identifiers: Orphanet 125, MedGen C0005859, MONDO:0008876, OMIM 210900.

Allele frequency attached by ClinVar (database versions not stated): gnomAD 0.00001; gnomAD exomes 0.00001; TOPMed 0.00001; ExAC 0.00002.
gnomAD v4.1: 4 of 1,607,356 alleles (0.00025%); highest among the groups gnomAD compares: East Asian, 0.009%; no homozygotes.

Submissions (2):

Ambry Genetics
Classification: Uncertain significance for Hereditary cancer-predisposing syndrome. Last evaluated: 2025-11-26. Review status: criteria provided, single submitter. Criteria: Ambry Variant Classification Scheme 2023. Collection method: clinical testing. Allele origin: germline.
Comment: The p.Y1044C variant (also known as c.3131A>G), located in coding exon 15 of the BLM gene, results from an A to G substitution at nucleotide position 3131. The tyrosine at codon 1044 is replaced by cysteine, an amino acid with highly dissimilar properties. This amino acid position is highly conserved in available vertebrate species. In addition, this alteration is predicted to be deleterious by in silico analysis. Since supporting evidence is limited at this time, the clinical significance of this alteration remains unclear.

Labcorp Genetics (formerly Invitae), Labcorp
Classification: Uncertain significance for Bloom syndrome. Last evaluated: 2025-07-02. Review status: criteria provided, single submitter. Criteria: Invitae Variant Classification Sherloc (09022015). Collection method: clinical testing. Allele origin: germline.
Comment: This sequence change replaces tyrosine, which is neutral and polar, with cysteine, which is neutral and slightly polar, at codon 1044 of the BLM protein (p.Tyr1044Cys). This variant is present in population databases (rs747571272, gnomAD 0.02%). This missense change has been observed in individual(s) with colorectal cancer (PMID: 29212164). ClinVar contains an entry for this variant (Variation ID: 454129). Invitae Evidence Modeling of protein sequence and biophysical properties (such as structural, functional, and spatial information, amino acid conservation, physicochemical variation, residue mobility, and thermodynamic stability) indicates that this missense variant is expected to disrupt BLM protein function with a positive predictive value of 80%. In summary, the available evidence is currently insufficient to determine the role of this variant in disease. Therefore, it has been classified as a Variant of Uncertain Significance.

Literature cited by the submitters: PubMed 29212164 (cited by Labcorp Genetics (formerly Invitae), Labcorp).